The following is an entry in ClinVar:

NM_002691.4(POLD1):c.343C>A (p.Pro115Thr)

Gene: POLD1 (DNA polymerase delta 1, catalytic subunit; plus strand). Cytogenetic location: 19q13.33.
Variant type: single nucleotide variant.
Coding change: c.343C>A on transcript NM_002691.4 (MANE Select); coding-DNA position 343, C replaced by A.
Protein change: p.Pro115Thr; replaces proline 115 with threonine.
Molecular consequence: missense variant. On other transcripts: non-coding transcript variant (1).
Genome position (GRCh38, 1-based): chr19:50,401,804, C>A. VCF-style: chr19-50401804-C-A. GRCh37 (hg19) VCF-style: chr19-50905061-C-A.
Other names: c.343C>A, p.Pro115Thr (NM_001256849.1, NM_001308632.1); c.343C>A (NM_002691.2); short protein forms P115T.
Identifiers: ClinVar variation 1433505 (VCV001433505.8), dbSNP rs754917939, ClinGen allele CA406972167.

ClinVar aggregate classification (germline): Conflicting classifications of pathogenicity. Review status: criteria provided, conflicting classifications (1 of 4 stars). 2 submissions from 2 submitters: Uncertain significance (1); Likely benign (1). Last evaluated 2025-03-28.

Conditions:
POLD1-related polyposis and colorectal cancer syndrome (CRCS10). Also called: Colorectal cancer 10; COLORECTAL CANCER, SUSCEPTIBILITY TO, ON CHROMOSOME 19q; Colorectal cancer, susceptibility to, 10. Identifiers: Orphanet 220460, MedGen C2675481, MONDO:0012953, OMIM 612591.
Hereditary cancer-predisposing syndrome. Also called: Neoplastic Syndromes, Hereditary; Tumor predisposition; Hereditary Cancer Syndrome; Hereditary neoplastic syndrome. Identifiers: Orphanet 140162, MedGen C0027672, MeSH D009386, MONDO:0015356.

gnomAD v4.1: 1 of 1,612,738 alleles (0.000062%); no homozygotes.

Submissions (2):

Ambry Genetics
Classification: Likely benign for Hereditary cancer-predisposing syndrome. Last evaluated: 2025-03-28. Review status: criteria provided, single submitter. Criteria: Ambry Variant Classification Scheme 2023. Collection method: clinical testing. Allele origin: germline.

Labcorp Genetics (formerly Invitae), Labcorp
Classification: Uncertain significance for POLD1-related polyposis and colorectal cancer syndrome. Last evaluated: 2021-07-29. Review status: criteria provided, single submitter. Criteria: Invitae Variant Classification Sherloc (09022015). Collection method: clinical testing. Allele origin: germline.
Comment: In summary, the available evidence is currently insufficient to determine the role of this variant in disease. Therefore, it has been classified as a Variant of Uncertain Significance. This sequence change replaces proline with threonine at codon 115 of the POLD1 protein (p.Pro115Thr). The proline residue is moderately conserved and there is a small physicochemical difference between proline and threonine. This variant is not present in population databases (ExAC no frequency). This variant has not been reported in the literature in individuals affected with POLD1-related conditions. Algorithms developed to predict the effect of missense changes on protein structure and function output the following: SIFT: "Tolerated"; PolyPhen-2: "Benign"; Align-GVGD: "Class C0". The threonine amino acid residue is found in multiple mammalian species, which suggests that this missense change does not adversely affect protein function.